The following is an entry in ClinVar:

ClinVar aggregate classification (germline): Uncertain significance. Review status: criteria provided, multiple submitters, no conflicts (2 of 4 stars). 4 submissions from 4 submitters: Uncertain significance (4). Last evaluated 2026-06-01.

Conditions:
Nephronophthisis 15 (NPHP15). Identifiers: Orphanet 3156, MedGen C3541853, MONDO:0013917, OMIM 614845.
CEP164-related disorder. Also called: CEP164-related condition.
Inborn genetic diseases. Identifiers: MedGen C0950123, MeSH D030342.

Allele frequency attached by ClinVar (database versions not stated): TOPMed 0.00002.
gnomAD v4.1: 85 of 1,613,968 alleles (0.0053%); highest among the groups gnomAD compares: African/African-American, 0.013%; no homozygotes.

Submissions (4):

PreventionGenetics, part of Exact Sciences
Classification: Uncertain significance for CEP164-related condition. Last evaluated: 2026-06-01. Review status: criteria provided, single submitter. Criteria: ACMG Guidelines, 2015. Collection method: clinical testing. Allele origin: germline.
Comment: The CEP164 c.3866C>T variant is predicted to result in the amino acid substitution p.Ser1289Leu. To our knowledge, this variant has not been reported in the literature. This variant is reported in 0.0093% of alleles in individuals of European (Non-Finnish) descent in gnomAD. At this time, the clinical significance of this variant is uncertain due to the absence of conclusive functional and genetic evidence.

Labcorp Genetics (formerly Invitae), Labcorp
Classification: Uncertain significance for Nephronophthisis 15. Last evaluated: 2024-12-16. Review status: criteria provided, single submitter. Criteria: Invitae Variant Classification Sherloc (09022015). Collection method: clinical testing. Allele origin: germline.
Comment: This sequence change replaces serine, which is neutral and polar, with leucine, which is neutral and non-polar, at codon 1289 of the CEP164 protein (p.Ser1289Leu). This variant is present in population databases (rs758693012, gnomAD 0.009%). This variant has not been reported in the literature in individuals affected with CEP164-related conditions. ClinVar contains an entry for this variant (Variation ID: 842182). Invitae Evidence Modeling of protein sequence and biophysical properties (such as structural, functional, and spatial information, amino acid conservation, physicochemical variation, residue mobility, and thermodynamic stability) indicates that this missense variant is not expected to disrupt CEP164 protein function with a negative predictive value of 80%. In summary, the available evidence is currently insufficient to determine the role of this variant in disease. Therefore, it has been classified as a Variant of Uncertain Significance.

Fulgent Genetics
Classification: Uncertain significance for Nephronophthisis 15. Last evaluated: 2024-05-09. Review status: criteria provided, single submitter. Criteria: ACMG Guidelines, 2015. Collection method: clinical testing. Allele origin: germline.

Ambry Genetics
Classification: Uncertain significance for Inborn genetic diseases. Last evaluated: 2021-07-13. Review status: criteria provided, single submitter. Criteria: Ambry Variant Classification Scheme 2023. Collection method: clinical testing. Allele origin: germline.

NM_014956.5(CEP164):c.3866C>T (p.Ser1289Leu)

Gene: CEP164 (centrosomal protein 164; plus strand). Cytogenetic location: 11q23.3.
Variant type: single nucleotide variant.
Coding change: c.3866C>T on transcript NM_014956.5 (MANE Select); coding-DNA position 3866, C replaced by T.
Protein change: p.Ser1289Leu; replaces serine 1289 with leucine.
Molecular consequence: missense variant.
Genome position (GRCh38, 1-based): chr11:117,409,735, C>T. VCF-style: chr11-117409735-C-T. GRCh37 (hg19) VCF-style: chr11-117280451-C-T.
Other names: c.3851C>T, p.Ser1284Leu (NM_001271933.2); short protein forms S1284L, S1289L.
Identifiers: ClinVar variation 842182 (VCV000842182.8), dbSNP rs758693012, ClinGen allele CA6295599.